The following is an entry in ClinVar:

NM_000235.4(LIPA):c.884A>C (p.His295Pro)

Gene: LIPA (lipase A, lysosomal acid type; minus strand). Cytogenetic location: 10q23.31.
Variant type: single nucleotide variant.
Coding change: c.884A>C on transcript NM_000235.4 (MANE Select); coding-DNA position 884, A replaced by C.
Protein change: p.His295Pro; replaces histidine 295 with proline.
Molecular consequence: missense variant.
Genome position (GRCh38, 1-based): chr10:89,222,521, T>G on the plus strand (A>C on the coding strand, the complement: LIPA is on the minus strand). VCF-style: chr10-89222521-T-G. GRCh37 (hg19) VCF-style: chr10-90982278-T-G.
Other names: c.884A>C, p.His295Pro (NM_001127605.3); c.536A>C, p.His179Pro (NM_001288979.2); short protein forms H295P, H179P.
Identifiers: ClinVar variation 2025546 (VCV002025546.4), dbSNP rs2495575225, ClinGen allele CA377516661.
Genomic context (GRCh38, chr10:89,222,521, plus strand): 5'-TTCTGATGTTGATTTTACATGAACCCCAAATGCACTCCTGGAATGCCTACCTGGCTCCAG[T>G]GTAACATGTTTTGCACAGAAGTTCCAGCAGGAGAATGTGTTGTATATACATCCACTCTAG-3'
Protein context (NP_000226.2, residues 285-305): PAGTSVQNML[His295Pro]WSQAVKFQKF

ClinVar aggregate classification (germline): Likely pathogenic (1 of 4 stars; one submission).

Conditions:
Wolman disease (WOLD). Also called: Acid cholesteryl ester hydrolase deficiency, Wolman type; Acid lipase disease; LYSOSOMAL ACID LIPASE DEFICIENCY, ACUTE INFANTILE; LYSOSOMAL ACID LIPASE DEFICIENCY, COMPLETE; LIPA DEFICIENCY, COMPLETE; LAL DEFICIENCY, COMPLETE. Identifiers: Orphanet 75233, MedGen C0043208, MONDO:0019148, OMIM 620151.

Allele frequency attached by ClinVar (database versions not stated): gnomAD exomes below 0.00001.
gnomAD v4.1: 1 of 1,608,474 alleles (0.000062%); highest among the groups gnomAD compares: Non-Finnish European, 0.000085%; no homozygotes.

Submission:

Labcorp Genetics (formerly Invitae), Labcorp
Classification: Likely pathogenic for Wolman disease. Last evaluated: 2022-08-21. Review status: criteria provided, single submitter. Criteria: Invitae Variant Classification Sherloc (09022015). Collection method: clinical testing. Allele origin: germline.
Comment: This variant disrupts the p.His295 amino acid residue in LIPA. Other variant(s) that disrupt this residue have been determined to be pathogenic (PMID: 7833918, 25620107, 28881270, 29196158, 31131398). This suggests that this residue is clinically significant, and that variants that disrupt this residue are likely to be disease-causing. In summary, the currently available evidence indicates that the variant is pathogenic, but additional data are needed to prove that conclusively. Therefore, this variant has been classified as Likely Pathogenic. This variant has not been reported in the literature in individuals affected with LIPA-related conditions. This variant is not present in population databases (gnomAD no frequency). This sequence change replaces histidine, which is basic and polar, with proline, which is neutral and non-polar, at codon 295 of the LIPA protein (p.His295Pro). Advanced modeling of protein sequence and biophysical properties (such as structural, functional, and spatial information, amino acid conservation, physicochemical variation, residue mobility, and thermodynamic stability) performed at Invitae indicates that this missense variant is expected to disrupt LIPA protein function.

Literature cited by the submitters: PubMed 7833918; PubMed 25620107; PubMed 28881270; PubMed 29196158; PubMed 31131398.